The following is an entry in ClinVar:

NM_000054.7(AVPR2):c.574T>G (p.Cys192Gly)

Gene: AVPR2 (arginine vasopressin receptor 2; plus strand). Cytogenetic location: Xq28.
Variant type: single nucleotide variant.
Coding change: c.574T>G on transcript NM_000054.7 (MANE Select); coding-DNA position 574, T replaced by G.
Protein change: p.Cys192Gly; replaces cysteine 192 with glycine.
Molecular consequence: missense variant. On other transcripts: non-coding transcript variant (1).
Genome position (GRCh38, 1-based): chrX:153,906,080, T>G. VCF-style: chrX-153906080-T-G. GRCh37 (hg19) VCF-style: chrX-153171534-T-G.
Other names: c.574T>G, p.Cys192Gly (NM_001146151.3); short protein forms C192G.
Identifiers: ClinVar variation 2035864 (VCV002035864.4), dbSNP rs2521156721, ClinGen allele CA415107277.

ClinVar aggregate classification (germline): Uncertain significance (1 of 4 stars; one submission).

Submission:

Labcorp Genetics (formerly Invitae), Labcorp
Classification: Uncertain significance. Last evaluated: 2022-10-20. Review status: criteria provided, single submitter. Criteria: Invitae Variant Classification Sherloc (09022015). Collection method: clinical testing. Allele origin: germline.
Comment: Advanced modeling of protein sequence and biophysical properties (such as structural, functional, and spatial information, amino acid conservation, physicochemical variation, residue mobility, and thermodynamic stability) performed at Invitae indicates that this missense variant is expected to disrupt AVPR2 protein function. This variant has not been reported in the literature in individuals affected with AVPR2-related conditions. This variant is not present in population databases (gnomAD no frequency). This sequence change replaces cysteine, which is neutral and slightly polar, with glycine, which is neutral and non-polar, at codon 192 of the AVPR2 protein (p.Cys192Gly). This variant disrupts the p.Cys192 amino acid residue in AVPR2. Other variant(s) that disrupt this residue have been observed in individuals with AVPR2-related conditions (PMID: 12509923, 33009446), which suggests that this may be a clinically significant amino acid residue. In summary, the available evidence is currently insufficient to determine the role of this variant in disease. Therefore, it has been classified as a Variant of Uncertain Significance.

Literature cited by the submitters: PubMed 12509923; PubMed 33009446.